The following is an entry in ClinVar:

ClinVar aggregate classification (germline): Pathogenic (1 of 4 stars; one submission).

Conditions:
Capillary malformation-arteriovenous malformation syndrome. Also called: Capillary malformation-arteriovenous malformation. Identifiers: Orphanet 137667, MedGen C1842180, MONDO:0012016.

Submission:

Labcorp Genetics (formerly Invitae), Labcorp
Classification: Pathogenic for Capillary malformation-arteriovenous malformation syndrome. Last evaluated: 2024-06-26. Review status: criteria provided, single submitter. Criteria: Invitae Variant Classification Sherloc (09022015). Collection method: clinical testing. Allele origin: germline.
Comment: This sequence change falls in intron 10 of the RASA1 gene. It does not directly change the encoded amino acid sequence of the RASA1 protein. It affects a nucleotide within the consensus splice site. This variant is not present in population databases (gnomAD no frequency). This variant has been observed in individual(s) with RASA1-related conditions (Invitae). In at least one individual the variant was observed to be de novo. Variants that disrupt the consensus splice site are a relatively common cause of aberrant splicing (PMID: 17576681, 9536098). Algorithms developed to predict the effect of sequence changes on RNA splicing suggest that this variant may disrupt the consensus splice site. For these reasons, this variant has been classified as Pathogenic.

Literature cited by the submitters: PubMed 17576681; PubMed 9536098.

NM_002890.3(RASA1):c.1453+2dup

Genes: CCNH (cyclin H; minus strand), RASA1 (RAS p21 protein activator 1; plus strand). Cytogenetic location: 5q14.3.
Variant type: Duplication.
Coding change: c.1453+2dup on transcript NM_002890.3 (MANE Select); the canonical splice donor site of the intron after coding-DNA position 1453, one base duplicated (T; older notation c.1453+2dupT).
Molecular consequence: splice donor variant. On other transcripts: intron variant (1).
Genome position (GRCh38, 1-based): chr5:87,362,673, T duplicated. VCF-style (leftmost placement, unchanged base first): chr5-87362672-G-GT. GRCh37 (hg19) VCF-style: chr5-86658489-G-GT.
Other names: c.922+2dup (NM_022650.3); c.933+32371dup (NM_001364075.2).
Identifiers: ClinVar variation 3666522 (VCV003666522.2).